The following is an entry in ClinVar:

ClinVar aggregate classification (germline): Likely benign (1 of 4 stars; one submission).

gnomAD v4.1: 1 of 1,609,052 alleles (0.000062%); highest among the groups gnomAD compares: Non-Finnish European, 0.000085%; no homozygotes.

Submission:

CeGaT Center for Human Genetics Tuebingen
Classification: Likely benign. Last evaluated: 2025-09-01. Review status: criteria provided, single submitter. Criteria: CeGaT Center For Human Genetics Tuebingen Variant Classification Criteria Version 2. Collection method: clinical testing. Allele origin: germline. Affected: yes. Observed: 1 variant allele.
Comment: LSS: BP4, BP7

NM_002340.6(LSS):c.1338G>C (p.Thr446=)

Gene: LSS (lanosterol synthase; minus strand). Cytogenetic location: 21q22.3.
Variant type: single nucleotide variant.
Coding change: c.1338G>C on transcript NM_002340.6 (MANE Select); coding-DNA position 1338, G replaced by C.
Protein change: p.Thr446=; no amino-acid change (threonine 446 retained).
Molecular consequence: synonymous variant.
Genome position (GRCh38, 1-based): chr21:46,207,557, C>G on the plus strand (G>C on the coding strand, the complement: LSS is on the minus strand). VCF-style: chr21-46207557-C-G. GRCh37 (hg19) VCF-style: chr21-47627471-C-G.
Other names: c.1338G>C, p.Thr446= (NM_001001438.3); c.1305G>C, p.Thr435= (NM_001145436.2); c.1098G>C, p.Thr366= (NM_001145437.2).
Identifiers: ClinVar variation 4281223 (VCV004281223.7).